The following is an entry in ClinVar:

NM_000057.4(BLM):c.3040C>G (p.His1014Asp)

Gene: BLM (BLM RecQ like helicase; plus strand). Cytogenetic location: 15q26.1.
Variant type: single nucleotide variant.
Coding change: c.3040C>G on transcript NM_000057.4 (MANE Select); coding-DNA position 3040, C replaced by G.
Protein change: p.His1014Asp; replaces histidine 1014 with aspartic acid.
Molecular consequence: missense variant.
Genome position (GRCh38, 1-based): chr15:90,794,187, C>G. VCF-style: chr15-90794187-C-G. GRCh37 (hg19) VCF-style: chr15-91337417-C-G.
Other names: c.3040C>G, p.His1014Asp (NM_001287246.2, NM_001287247.2); c.1915C>G, p.His639Asp (NM_001287248.2); short protein forms H1014D, H639D.
Identifiers: ClinVar variation 1021505 (VCV001021505.9), dbSNP rs1896972234, ClinGen allele CA393846695.

ClinVar aggregate classification (germline): Uncertain significance (1 of 4 stars; one submission).

Conditions:
Bloom syndrome (BLM). Also called: Bloom-Torre-Machacek syndrome. Identifiers: Orphanet 125, MedGen C0005859, MONDO:0008876, OMIM 210900.

Submission:

Labcorp Genetics (formerly Invitae), Labcorp
Classification: Uncertain significance for Bloom syndrome. Last evaluated: 2020-08-05. Review status: criteria provided, single submitter. Criteria: Invitae Variant Classification Sherloc (09022015). Collection method: clinical testing. Allele origin: germline.
Comment: In summary, the available evidence is currently insufficient to determine the role of this variant in disease. Therefore, it has been classified as a Variant of Uncertain Significance. This sequence change replaces histidine with aspartic acid at codon 1014 of the BLM protein (p.His1014Asp). The histidine residue is moderately conserved and there is a moderate physicochemical difference between histidine and aspartic acid. This variant is not present in population databases (ExAC no frequency). This variant has not been reported in the literature in individuals with BLM-related conditions. Algorithms developed to predict the effect of missense changes on protein structure and function (SIFT, PolyPhen-2, Align-GVGD) all suggest that this variant is likely to be tolerated, but these predictions have not been confirmed by published functional studies and their clinical significance is uncertain.